The following is an entry in ClinVar:

NM_004415.4(DSP):c.2601G>A (p.Trp867Ter)

Gene: DSP (desmoplakin; plus strand). Cytogenetic location: 6p24.3.
Variant type: single nucleotide variant.
Coding change: c.2601G>A on transcript NM_004415.4 (MANE Select); coding-DNA position 2601, G replaced by A.
Protein change: p.Trp867Ter; replaces tryptophan 867 with a stop codon.
Molecular consequence: nonsense.
Genome position (GRCh38, 1-based): chr6:7,575,459, G>A. VCF-style: chr6-7575459-G-A. GRCh37 (hg19) VCF-style: chr6-7575692-G-A.
Other names: c.2601G>A, p.Trp867Ter (NM_001008844.3, NM_001319034.2); short protein forms W867*.
Identifiers: ClinVar variation 3756256 (VCV003756256.3).
Genomic context (GRCh38, chr6:7,575,459, plus strand): 5'-ACTTTATGATCTGGACTTGGGCAAGTTCGGTGAAAAAGTCACACAGCTGACAGACCGCTG[G>A]CAAAGGATAGATAAACAGATCGACTTTAGGTATGCCAGCCTCCTCCCGCTCCTTCCCCAT-3'

ClinVar aggregate classification (germline): Pathogenic. Review status: criteria provided, multiple submitters, no conflicts (2 of 4 stars). 2 submissions from 2 submitters: Pathogenic (2). Last evaluated 2026-06-23.

Conditions:
Arrhythmogenic cardiomyopathy with wooly hair and keratoderma. Also called: Arrhythmogenic cardiomyopathy with woolly hair and keratoderma; PALMOPLANTAR KERATODERMA WITH LEFT VENTRICULAR CARDIOMYOPATHY AND WOOLLY HAIR; Carvajal syndrome; Dilated cardiomyopathy with woolly hair and keratoderma. Identifiers: Orphanet 65282, MedGen C1854063, MONDO:0011581, OMIM 605676.
Arrhythmogenic right ventricular dysplasia 8 (ARVD8). Also called: Arrhythmogenic Right Ventricular Dysplasia/Cardiomyopathy 8; ARRHYTHMOGENIC RIGHT VENTRICULAR DYSPLASIA, FAMILIAL, 8; ARRHYTHMOGENIC RIGHT VENTRICULAR CARDIOMYOPATHY 8. Identifiers: MedGen C1843896, MONDO:0011831, OMIM 607450.
Cardiovascular phenotype. Identifiers: MedGen CN230736.

Submissions (2):

Ambry Genetics
Classification: Pathogenic for Cardiovascular phenotype. Last evaluated: 2026-06-23. Review status: criteria provided, single submitter. Criteria: Ambry Variant Classification Scheme 2023. Collection method: clinical testing. Allele origin: germline.
Comment: The p.W867* pathogenic mutation (also known as c.2601G>A), located in coding exon 18 of the DSP gene, results from a G to A substitution at nucleotide position 2601. This changes the amino acid from a tryptophan to a stop codon within coding exon 18. This variant is considered to be rare based on population cohorts in the Genome Aggregation Database (gnomAD). This alteration is expected to result in loss of function by premature protein truncation or nonsense-mediated mRNA decay. As such, this alteration is interpreted as a disease-causing mutation.

Labcorp Genetics (formerly Invitae), Labcorp
Classification: Pathogenic for Arrhythmogenic cardiomyopathy with wooly hair and keratoderma; Arrhythmogenic right ventricular dysplasia 8. Last evaluated: 2025-02-05. Review status: criteria provided, single submitter. Criteria: Invitae Variant Classification Sherloc (09022015). Collection method: clinical testing. Allele origin: germline.
Comment: This sequence change creates a premature translational stop signal (p.Trp867*) in the DSP gene. It is expected to result in an absent or disrupted protein product. Loss-of-function variants in DSP are known to be pathogenic (PMID: 20716751, 24503780, 25227139). This variant is not present in population databases (gnomAD no frequency). This variant has not been reported in the literature in individuals affected with DSP-related conditions. For these reasons, this variant has been classified as Pathogenic.

Literature cited by the submitters: PubMed 20716751 (cited by Labcorp Genetics (formerly Invitae), Labcorp); PubMed 24503780 (cited by Labcorp Genetics (formerly Invitae), Labcorp); PubMed 25227139 (cited by Labcorp Genetics (formerly Invitae), Labcorp).